The following is an entry in ClinVar:

ClinVar aggregate classification (germline): Uncertain significance (1 of 4 stars; one submission).

Conditions:
SEMA3D-related disorder. Also called: SEMA3D-related condition.

Submission:

PreventionGenetics, part of Exact Sciences
Classification: Uncertain significance for SEMA3D-related condition. Last evaluated: 2026-07-23. Review status: criteria provided, single submitter. Criteria: ACMG Guidelines, 2015. Collection method: clinical testing. Allele origin: germline.
Comment: The SEMA3D c.110C>A variant is predicted to result in the amino acid substitution p.Thr37Asn. To our knowledge, this variant has not been reported in the literature or in a large population database (gnomAD), indicating this variant is rare. At this time, the clinical significance of this variant is uncertain due to the absence of conclusive functional and genetic evidence.

NM_001384900.1(SEMA3D):c.110C>A (p.Thr37Asn)

Gene: SEMA3D (semaphorin 3D; minus strand). Cytogenetic location: 7q21.11.
Variant type: single nucleotide variant.
Coding change: c.110C>A on transcript NM_001384900.1 (MANE Select); coding-DNA position 110, C replaced by A.
Protein change: p.Thr37Asn; replaces threonine 37 with asparagine.
Molecular consequence: missense variant.
Genome position (GRCh38, 1-based): chr7:85,121,782, G>T on the plus strand (C>A on the coding strand, the complement: SEMA3D is on the minus strand). VCF-style: chr7-85121782-G-T. GRCh37 (hg19) VCF-style: chr7-84751098-G-T.
Other names: c.110C>A, p.Thr37Asn (NM_001384901.1, NM_001384902.1, NM_001384903.1 and 1 more transcripts); short protein forms T37N.
Identifiers: ClinVar variation 2636666 (VCV002636666.2), dbSNP rs1789420444, ClinGen allele CA368028182.
Genomic context (GRCh38, chr7:85,121,782, plus strand): 5'-AAAATATGTATATATTTACCTTTGTAGGTTAGCTTGAGTCTTGGAATATTTTGCTTCAAA[G>T]TGCCAGTGACTGGAAGAAACAACATGGTCATGCTTAGCATCATCAAAGCAGGAAAAAGGT-3'
Protein context (NP_001371829.1, residues 27-47): MTMLFLPVTG[Thr37Asn]LKQNIPRLKL